The following is an entry in ClinVar:

ClinVar aggregate classification (germline): Uncertain significance (1 of 4 stars; one submission).

Conditions:
Early-infantile DEE. Also called: Early infantile epileptic encephalopathy; Early infantile epileptic encephalopathy with suppression bursts; Ohtahara syndrome. Identifiers: Orphanet 1934, MedGen C0393706, MONDO:0800491.

Submission:

Labcorp Genetics (formerly Invitae), Labcorp
Classification: Uncertain significance for Early-infantile DEE. Last evaluated: 2024-10-03. Review status: criteria provided, single submitter. Criteria: Invitae Variant Classification Sherloc (09022015). Collection method: clinical testing. Allele origin: germline.
Comment: This sequence change replaces serine, which is neutral and polar, with cysteine, which is neutral and slightly polar, at codon 1753 of the SCN8A protein (p.Ser1753Cys). This variant is not present in population databases (gnomAD no frequency). This variant has not been reported in the literature in individuals affected with SCN8A-related conditions. Invitae Evidence Modeling of protein sequence and biophysical properties (such as structural, functional, and spatial information, amino acid conservation, physicochemical variation, residue mobility, and thermodynamic stability) has been performed for this missense variant. However, the output from this modeling did not meet the statistical confidence thresholds required to predict the impact of this variant on SCN8A protein function. In summary, the available evidence is currently insufficient to determine the role of this variant in disease. Therefore, it has been classified as a Variant of Uncertain Significance.

NM_001330260.2(SCN8A):c.5258C>G (p.Ser1753Cys)

Gene: SCN8A (sodium voltage-gated channel alpha subunit 8; plus strand). Cytogenetic location: 12q13.13.
Variant type: single nucleotide variant.
Coding change: c.5258C>G on transcript NM_001330260.2 (MANE Select); coding-DNA position 5258, C replaced by G.
Protein change: p.Ser1753Cys; replaces serine 1753 with cysteine.
Molecular consequence: missense variant.
Genome position (GRCh38, 1-based): chr12:51,806,744, C>G. VCF-style: chr12-51806744-C-G. GRCh37 (hg19) VCF-style: chr12-52200528-C-G.
Other names: c.5135C>G, p.Ser1712Cys (NM_001177984.3, NM_001369788.1); c.5258C>G, p.Ser1753Cys (NM_014191.4); short protein forms S1753C, S1712C.
Identifiers: ClinVar variation 3707937 (VCV003707937.2).